The following is an entry in ClinVar:

ClinVar aggregate classification (germline): Benign. Review status: criteria provided, multiple submitters, no conflicts (2 of 4 stars). 2 submissions from 2 submitters: Benign (2). Last evaluated 2018-06-16.

Allele frequency attached by ClinVar (database versions not stated): TOPMed 0.05603; gnomAD 0.05868 and 0.06041; 1000 Genomes Project 30x 0.05903; 1000 Genomes Project 0.06090.
gnomAD v4.1: 9,137 of 151,320 alleles (6%); highest among the groups gnomAD compares: South Asian, 11%; 309 homozygotes.

Submissions (2):

GeneDx
Classification: Benign. Last evaluated: 2018-06-16. Review status: criteria provided, single submitter. Criteria: GeneDx Variant Classification (06012015). Collection method: clinical testing. Allele origin: germline. Affected: yes.
Comment: This variant is considered likely benign or benign based on one or more of the following criteria: it is a conservative change, it occurs at a poorly conserved position in the protein, it is predicted to be benign by multiple in silico algorithms, and/or has population frequency not consistent with disease.

Breakthrough Genomics
Classification: Benign. Review status: criteria provided, single submitter. Criteria: ACMG Guidelines, 2015. Collection method: not provided. Allele origin: germline. Inheritance: Autosomal dominant inheritance. Affected: yes.

NM_003072.5(SMARCA4):c.1813-185G>A

Gene: SMARCA4 (SWI/SNF related BAF chromatin remodeling complex subunit ATPase 4; plus strand). Cytogenetic location: 19p13.2.
Variant type: single nucleotide variant.
Coding change: c.1813-185G>A on transcript NM_003072.5 (MANE Select); 185 bases into the intron before coding-DNA position 1813, G replaced by A.
Molecular consequence: intron variant.
Genome position (GRCh38, 1-based): chr19:11,002,844, G>A. VCF-style: chr19-11002844-G-A. GRCh37 (hg19) VCF-style: chr19-11113520-G-A.
Other names: c.1813-185G>A (NM_001128844.3, NM_001128849.3, NM_001128847.4 and 5 more transcripts).
Identifiers: ClinVar variation 677100 (VCV000677100.2), dbSNP rs17001076, ClinGen allele CA305255945.